The following is an entry in ClinVar:

NM_005993.5(TBCD):c.3462G>A (p.Val1154=)

Gene: TBCD (tubulin folding cofactor D). Cytogenetic location: 17q25.3.
Variant type: single nucleotide variant.
Coding change: c.3462G>A on transcript NM_005993.5 (MANE Select); coding-DNA position 3462, G replaced by A.
Protein change: p.Val1154=; no amino-acid change (valine 1154 retained).
Molecular consequence: synonymous variant.
Genome position (GRCh38, 1-based): chr17:82,939,459, G>A. VCF-style: chr17-82939459-G-A. GRCh37 (hg19) VCF-style: chr17-80897335-G-A.
Other names: p.Val1154=; c.3411G>A, p.Val1137= (NM_001411101.1); c.3381G>A, p.Val1127= (NM_001411102.1).
Identifiers: ClinVar variation 2787241 (VCV002787241.4), dbSNP rs2147551153, ClinGen allele CA502590146.
Genomic context (GRCh38, chr17:82,939,459, plus strand): 5'-GACATTGCTCACCTACAGTGACGTCGTGGGCGCGGATGTGCTGGACGAGGTGGTGACTGT[G>A]CTCAGTGACACTGCGTGGTGAGTGAAGGCCCTTCCTGCACGGCCACCTGGGCCTGGCACC-3'
Protein context (NP_005984.3, residues 1144-1164): GADVLDEVVT[Val1154=]LSDTAWDAEL

ClinVar aggregate classification (germline): Likely benign. Review status: criteria provided, multiple submitters, no conflicts (2 of 4 stars). 2 submissions from 2 submitters: Likely benign (2). Last evaluated 2025-07-29.

Allele frequency attached by ClinVar (database versions not stated): gnomAD exomes below 0.00001.
gnomAD v4.1: 1 of 1,613,386 alleles (0.000062%); highest among the groups gnomAD compares: Non-Finnish European, 0.000085%; no homozygotes.

Submissions (2):

Mayo Clinic Laboratories, Mayo Clinic
Classification: Likely benign. Last evaluated: 2025-07-29. Review status: criteria provided, single submitter. Criteria: ACMG Guidelines, 2015. Collection method: clinical testing. Allele origin: germline. Observed: 1 variant allele.
Comment: BP4, BP7

Labcorp Genetics (formerly Invitae), Labcorp
Classification: Likely benign. Last evaluated: 2023-07-25. Review status: criteria provided, single submitter. Criteria: Invitae Variant Classification Sherloc (09022015). Collection method: clinical testing. Allele origin: germline.